The following is an entry in ClinVar:

NM_020821.3(VPS13C):c.4614A>C (p.Leu1538Phe)

Gene: VPS13C (vacuolar protein sorting 13 homolog C; minus strand). Cytogenetic location: 15q22.2.
Variant type: single nucleotide variant.
Coding change: c.4614A>C on transcript NM_020821.3 (MANE Select); coding-DNA position 4614, A replaced by C.
Protein change: p.Leu1538Phe; replaces leucine 1538 with phenylalanine.
Molecular consequence: missense variant.
Genome position (GRCh38, 1-based): chr15:61,949,588, T>G on the plus strand (A>C on the coding strand, the complement: VPS13C is on the minus strand). VCF-style: chr15-61949588-T-G. GRCh37 (hg19) VCF-style: chr15-62241787-T-G.
Other names: c.4614A>C, p.Leu1538Phe (NM_001018088.3); c.4485A>C, p.Leu1495Phe (NM_017684.5, NM_018080.4); short protein forms L1538F, L1495F.
Identifiers: ClinVar variation 1426454 (VCV001426454.6), dbSNP rs576985491, ClinGen allele CA7596034.
Genomic context (GRCh38, chr15:61,949,588, plus strand): 5'-AGCAGCAGATGATAAAAAATCCATGAAGGAAAGTAAAGCTTCCAAATGAAGTACTAAGTC[T>G]AAGGATGCAAATGAAACCTAAGATAATGAACAATTAAAGAGGCAGATTTCAGATGCAGTA-3'
Protein context (NP_065872.1, residues 1528-1548): KQRLKVSFAS[Leu1538Phe]DLVLHLEALL

ClinVar aggregate classification (germline): Uncertain significance (1 of 4 stars; one submission).

Allele frequency attached by ClinVar (database versions not stated): gnomAD exomes below 0.00001; 1000 Genomes Project 30x 0.00016; TOPMed 0.00019; 1000 Genomes Project 0.00020.
gnomAD v4.1: 14 of 1,597,348 alleles (0.00088%); highest among the groups gnomAD compares: Admixed American, 0.022%; no homozygotes.

Submission:

Labcorp Genetics (formerly Invitae), Labcorp
Classification: Uncertain significance. Last evaluated: 2021-10-16. Review status: criteria provided, single submitter. Criteria: Invitae Variant Classification Sherloc (09022015). Collection method: clinical testing. Allele origin: germline.
Comment: In summary, the available evidence is currently insufficient to determine the role of this variant in disease. Therefore, it has been classified as a Variant of Uncertain Significance. Algorithms developed to predict the effect of missense changes on protein structure and function are either unavailable or do not agree on the potential impact of this missense change (SIFT: "Deleterious"; PolyPhen-2: "Probably Damaging"; Align-GVGD: "Class C0"). This variant has not been reported in the literature in individuals affected with VPS13C-related conditions. This variant is present in population databases (rs576985491, ExAC 0.009%). This sequence change replaces leucine with phenylalanine at codon 1538 of the VPS13C protein (p.Leu1538Phe). The leucine residue is highly conserved and there is a small physicochemical difference between leucine and phenylalanine.